The following is an entry in ClinVar:

NM_000264.5(PTCH1):c.3014G>T (p.Gly1005Val)

Gene: PTCH1 (patched 1; minus strand). Cytogenetic location: 9q22.32.
Variant type: single nucleotide variant.
Coding change: c.3014G>T on transcript NM_000264.5 (MANE Select); coding-DNA position 3014, G replaced by T.
Protein change: p.Gly1005Val; replaces glycine 1005 with valine.
Molecular consequence: missense variant. On other transcripts: non-coding transcript variant (1).
Genome position (GRCh38, 1-based): chr9:95,458,167, C>A on the plus strand (G>T on the coding strand, the complement: PTCH1 is on the minus strand). VCF-style: chr9-95458167-C-A. GRCh37 (hg19) VCF-style: chr9-98220449-C-A.
Other names: c.2816G>T, p.Gly939Val (NM_001083602.3); c.3011G>T, p.Gly1004Val (NM_001083603.3); c.2561G>T, p.Gly854Val (NM_001083604.3, NM_001083605.3, NM_001083606.3 and 1 more transcripts); c.2858G>T, p.Gly953Val (NM_001354918.2); short protein forms G1004V, G1005V, G854V, G939V, G953V.
Identifiers: ClinVar variation 2113361 (VCV002113361.4), dbSNP rs1839122259, ClinGen allele CA374112575.

ClinVar aggregate classification (germline): Uncertain significance (1 of 4 stars; one submission).

Conditions:
Gorlin syndrome. Also called: Nevoid Basal Cell Carcinoma Syndrome; Basal cell nevus syndrome. Identifiers: Orphanet 377, MedGen C0004779, MONDO:0007187.

Submission:

Labcorp Genetics (formerly Invitae), Labcorp
Classification: Uncertain significance for Gorlin syndrome. Last evaluated: 2022-03-18. Review status: criteria provided, single submitter. Criteria: Invitae Variant Classification Sherloc (09022015). Collection method: clinical testing. Allele origin: germline.
Comment: In summary, the available evidence is currently insufficient to determine the role of this variant in disease. Therefore, it has been classified as a Variant of Uncertain Significance. Algorithms developed to predict the effect of missense changes on protein structure and function are either unavailable or do not agree on the potential impact of this missense change (SIFT: "Deleterious"; PolyPhen-2: "Probably Damaging"; Align-GVGD: "Class C0"). This variant has not been reported in the literature in individuals affected with PTCH1-related conditions. This variant is not present in population databases (gnomAD no frequency). This sequence change replaces glycine, which is neutral and non-polar, with valine, which is neutral and non-polar, at codon 1005 of the PTCH1 protein (p.Gly1005Val).